The following is an entry in ClinVar:

ClinVar aggregate classification (germline): Pathogenic/Likely pathogenic. Review status: criteria provided, multiple submitters, no conflicts (2 of 4 stars). 2 submissions from 2 submitters: Pathogenic (1); Likely pathogenic (1). Last evaluated 2026-05-06.

Conditions:
PRPF8-related disorder. Also called: PRPF8-related condition.

gnomAD v4.1: 3 of 1,614,146 alleles (0.00019%); highest among the groups gnomAD compares: Non-Finnish European, 0.00017%; no homozygotes.

Submissions (2):

PreventionGenetics, part of Exact Sciences
Classification: Likely pathogenic for PRPF8-related condition. Last evaluated: 2026-05-06. Review status: criteria provided, single submitter. Criteria: ACMG Guidelines, 2015. Collection method: clinical testing. Allele origin: germline.
Comment: The PRPF8 c.4630C>T variant is predicted to result in premature protein termination (p.Arg1544*). To our knowledge, this variant has not been reported in the literature. This variant is present in 0.00089% of alleles in individuals of European (Non-Finnish) descent in gnomAD. Nonsense variants in PRPF8 are an established mechanism of disease. This variant is interpreted as likely pathogenic.

Labcorp Genetics (formerly Invitae), Labcorp
Classification: Pathogenic. Last evaluated: 2024-08-29. Review status: criteria provided, single submitter. Criteria: Invitae Variant Classification Sherloc (09022015). Collection method: clinical testing. Allele origin: germline.
Comment: This sequence change creates a premature translational stop signal (p.Arg1544*) in the PRPF8 gene. It is expected to result in an absent or disrupted protein product. Loss-of-function variants in PRPF8 are known to be pathogenic (PMID: 27208204, 31054281, 33946315). This variant is not present in population databases (gnomAD no frequency). This variant has not been reported in the literature in individuals affected with PRPF8-related conditions. For these reasons, this variant has been classified as Pathogenic.

Literature cited by the submitters: PubMed 27208204 (cited by Labcorp Genetics (formerly Invitae), Labcorp); PubMed 31054281 (cited by Labcorp Genetics (formerly Invitae), Labcorp); PubMed 33946315 (cited by Labcorp Genetics (formerly Invitae), Labcorp).

NM_006445.4(PRPF8):c.4630C>T (p.Arg1544Ter)

Gene: PRPF8 (pre-mRNA processing factor 8; minus strand). Cytogenetic location: 17p13.3.
Variant type: single nucleotide variant.
Coding change: c.4630C>T on transcript NM_006445.4 (MANE Select); coding-DNA position 4630, C replaced by T.
Protein change: p.Arg1544Ter; replaces arginine 1544 with a stop codon.
Molecular consequence: nonsense.
Genome position (GRCh38, 1-based): chr17:1,660,706, G>A on the plus strand (C>T on the coding strand, the complement: PRPF8 is on the minus strand). VCF-style: chr17-1660706-G-A. GRCh37 (hg19) VCF-style: chr17-1564000-G-A.
Other names: c.4630C>T (NM_006445.3); short protein forms R1544*.
Identifiers: ClinVar variation 3684587 (VCV003684587.3).